The following is an entry in ClinVar:

NM_006231.4(POLE):c.2713T>C (p.Phe905Leu)

Gene: POLE (DNA polymerase epsilon, catalytic subunit; minus strand). Cytogenetic location: 12q24.33.
Variant type: single nucleotide variant.
Coding change: c.2713T>C on transcript NM_006231.4 (MANE Select); coding-DNA position 2713, T replaced by C.
Protein change: p.Phe905Leu; replaces phenylalanine 905 with leucine.
Molecular consequence: missense variant.
Genome position (GRCh38, 1-based): chr12:132,661,678, A>G on the plus strand (T>C on the coding strand, the complement: POLE is on the minus strand). VCF-style: chr12-132661678-A-G. GRCh37 (hg19) VCF-style: chr12-133238264-A-G.
Other names: short protein forms F905L.
Identifiers: ClinVar variation 3225423 (VCV003225423.1), dbSNP rs2542049174, ClinGen allele CA387394062.
Genomic context (GRCh38, chr12:132,661,678, plus strand): 5'-AGCGGGTGACGTAGGTGAGTGAGGACGGCTCAGCCAGCTCCTGGTACTGGTCATTGGTGA[A>G]GCCTTCCTGAGAAACAAGAGTGAAGAGGGGGCAGCTTCACTCATGATGGCCCAAACCTGG-3'
Protein context (NP_006222.2, residues 895-915): AMLNIMVKEG[Phe905Leu]TNDQYQELAE

ClinVar aggregate classification (germline): Uncertain significance (1 of 4 stars; one submission).

Conditions:
Hereditary cancer-predisposing syndrome. Also called: Neoplastic Syndromes, Hereditary; Tumor predisposition; Hereditary neoplastic syndrome; Hereditary Cancer Syndrome. Identifiers: Orphanet 140162, MedGen C0027672, MeSH D009386, MONDO:0015356.

Allele frequency attached by ClinVar (database versions not stated): gnomAD exomes below 0.00001.
gnomAD v4.1: 1 of 1,613,694 alleles (0.000062%); highest among the groups gnomAD compares: Non-Finnish European, 0.000085%; no homozygotes.

Submission:

Ambry Genetics
Classification: Uncertain significance for Hereditary cancer-predisposing syndrome. Last evaluated: 2024-01-21. Review status: criteria provided, single submitter. Criteria: Ambry Variant Classification Scheme 2023. Collection method: clinical testing. Allele origin: germline.
Comment: The p.F905L variant (also known as c.2713T>C), located in coding exon 24 of the POLE gene, results from a T to C substitution at nucleotide position 2713. The phenylalanine at codon 905 is replaced by leucine, an amino acid with highly similar properties. This amino acid position is conserved. In addition, the in silico prediction for this alteration is inconclusive. Based on the available evidence, the clinical significance of this alteration remains unclear.